The following is an entry in ClinVar:

ClinVar aggregate classification (germline): Pathogenic. Review status: criteria provided, multiple submitters, no conflicts (2 of 4 stars). 2 submissions from 2 submitters: Pathogenic (2). Last evaluated 2024-06-07.

Conditions:
Mucopolysaccharidosis, MPS-II (MPS2). Also called: Hunter Syndrome; Mucopolysaccharidosis with skin involvement; Mucopolysaccharidosis type 2; IDURONATE 2-SULFATASE DEFICIENCY; Mucopolysaccharidosis Type II; IDS deficiency. Identifiers: Orphanet 580, Orphanet 79388, MedGen C0026705, MONDO:0010674, OMIM 309900.

Submissions (2):

Laboratory of Diagnosis and Therapy of Lysosomal Disorders, University of Padova
Classification: Pathogenic for Mucopolysaccharidosis, MPS-II. Last evaluated: 2024-06-07. Review status: criteria provided, single submitter. Criteria: ACMG Guidelines, 2015. Collection method: literature only. Allele origin: germline. Affected: yes. Observed: 1 variant allele.
Comment: Null variant (PVS1_Strong), Absent from controls (or at low frequency) in gnomAD database (PM2_Moderate), Patient’s phenotype or family history highly specific for the disease (PP4_Strong)

Classification method: ACMG Guidelines [PMID:25741868] with modifications

MOLECULAR BIOLOGY LABORATORY, INSTITUTO NACIONAL DE PEDIATRIA
Classification: Pathogenic for Mucopolysaccharidosis, MPS-II. Last evaluated: 2015-10-18. Review status: criteria provided, single submitter. Criteria: ACMG Guidelines, 2007. Collection method: research. Allele origin: maternal. Affected: yes. Observed: 1 variant allele.

Literature cited by the submitters: PubMed 26762690 (cited by Laboratory of Diagnosis and Therapy of Lysosomal Disorders, University of Padova and MOLECULAR BIOLOGY LABORATORY, INSTITUTO NACIONAL DE PEDIATRIA).

NM_000202.8(IDS):c.508-1G>C

Genes: IDS (iduronate 2-sulfatase; minus strand), LOC106050102 (IDS recombination region; plus strand). Cytogenetic location: Xq28.
Variant type: single nucleotide variant.
Coding change: c.508-1G>C on transcript NM_000202.8 (MANE Select); the canonical splice acceptor site of the intron before coding-DNA position 508, G replaced by C.
Molecular consequence: splice acceptor variant.
Genome position (GRCh38, 1-based): chrX:149,498,308, C>G on the plus strand (G>C on the coding strand, the complement: IDS is on the minus strand). VCF-style: chrX-149498308-C-G. GRCh37 (hg19) VCF-style: chrX-148579839-C-G.
Other names: c.238-1G>C (NM_001166550.4); c.508-1G>C (NM_006123.5).
Identifiers: ClinVar variation 221977 (VCV000221977.3), dbSNP rs113993947, ClinGen allele CA356948.
Genomic context (GRCh38, chrX:149,498,308, plus strand): 5'-CAGCACATCCACAGGGCAAAGCAGGTTGGCATGGAGTTCTCCATCTGGCCCTCGACATGT[C>G]TTTCAAAACAAAATAATATAACATCAGCTTTTTAAGTGCAAGAAATGAAGCCATGAAGGC-3'